The following is an entry in ClinVar:

NM_004667.6(HERC2):c.13965C>T (p.Arg4655=)

Gene: HERC2 (HECT and RLD domain containing E3 ubiquitin protein ligase 2; minus strand). Cytogenetic location: 15q13.1.
Variant type: single nucleotide variant.
Coding change: c.13965C>T on transcript NM_004667.6 (MANE Select); coding-DNA position 13965, C replaced by T.
Protein change: p.Arg4655=; no amino-acid change (arginine 4655 retained).
Molecular consequence: synonymous variant.
Genome position (GRCh38, 1-based): chr15:28,113,627, G>A on the plus strand (C>T on the coding strand, the complement: HERC2 is on the minus strand). VCF-style: chr15-28113627-G-A. GRCh37 (hg19) VCF-style: chr15-28358773-G-A.
Identifiers: ClinVar variation 3388964 (VCV003388964.14).

ClinVar aggregate classification (germline): Likely benign (1 of 4 stars; one submission).

gnomAD v4.1: 36 of 1,614,082 alleles (0.0022%); highest among the groups gnomAD compares: East Asian, 0.0089%; 1 homozygote.

Submission:

CeGaT Center for Human Genetics Tuebingen
Classification: Likely benign. Last evaluated: 2026-09-01. Review status: criteria provided, single submitter. Criteria: CeGaT Center For Human Genetics Tuebingen Variant Classification Criteria Version 2. Collection method: clinical testing. Allele origin: germline. Affected: yes. Observed: 3 variant alleles.
Comment: HERC2: BP4, BP7